The following is an entry in ClinVar:

ClinVar aggregate classification (germline): Likely benign. Review status: criteria provided, multiple submitters, no conflicts (2 of 4 stars). 2 submissions from 2 submitters: Likely benign (2). Last evaluated 2018-06-14.

Allele frequency attached by ClinVar (database versions not stated): 1000 Genomes Project 30x 0.00812; 1000 Genomes Project 0.00899; TOPMed 0.00945; gnomAD 0.01064 and 0.01108; gnomAD exomes 0.01356 and 0.01384; ExAC 0.01807.
gnomAD v4.1: 20,274 of 1,504,416 alleles (1.3%); highest among the groups gnomAD compares: South Asian, 2.5%; 197 homozygotes.

Submissions (2):

GeneDx
Classification: Likely benign. Last evaluated: 2018-06-14. Review status: criteria provided, single submitter. Criteria: GeneDx Variant Classification (06012015). Collection method: clinical testing. Allele origin: germline. Affected: yes.
Comment: This variant is considered likely benign or benign based on one or more of the following criteria: it is a conservative change, it occurs at a poorly conserved position in the protein, it is predicted to be benign by multiple in silico algorithms, and/or has population frequency not consistent with disease.

Breakthrough Genomics
Classification: Likely benign. Review status: criteria provided, single submitter. Criteria: ACMG Guidelines, 2015. Collection method: not provided. Allele origin: germline. Inheritance: Autosomal recessive inheritance. Affected: yes.

NM_016938.5(EFEMP2):c.111+81G>A

Gene: EFEMP2 (EGF containing fibulin extracellular matrix protein 2; minus strand). Cytogenetic location: 11q13.1.
Variant type: single nucleotide variant.
Coding change: c.111+81G>A on transcript NM_016938.5 (MANE Select); 81 bases into the intron after coding-DNA position 111, G replaced by A.
Molecular consequence: intron variant.
Genome position (GRCh38, 1-based): chr11:65,872,163, C>T on the plus strand (G>A on the coding strand, the complement: EFEMP2 is on the minus strand). VCF-style: chr11-65872163-C-T. GRCh37 (hg19) VCF-style: chr11-65639634-C-T.
Identifiers: ClinVar variation 678689 (VCV000678689.2), dbSNP rs144352725, ClinGen allele CA6110780.
Genomic context (GRCh38, chr11:65,872,163, plus strand): 5'-CCCTCCGGCCTGCTCCAAACAATGGCCCCCAGCTCTCCACCAGCCAGGGGAGGAAGACTT[C>T]CCCGGCAGCAGTCACCCTGGGTCCCGGTCTCTTCCTCCCTACCCTTCCTGTCCCAGGCCA-3'